The following is an entry in ClinVar:

NM_006206.6(PDGFRA):c.2092C>T (p.Pro698Ser)

Gene: PDGFRA (platelet derived growth factor receptor alpha; plus strand). Cytogenetic location: 4q12.
Variant type: single nucleotide variant.
Coding change: c.2092C>T on transcript NM_006206.6 (MANE Select); coding-DNA position 2092, C replaced by T.
Protein change: p.Pro698Ser; replaces proline 698 with serine.
Molecular consequence: missense variant.
Genome position (GRCh38, 1-based): chr4:54,278,451, C>T. VCF-style: chr4-54278451-C-T. GRCh37 (hg19) VCF-style: chr4-55144618-C-T.
Other names: c.2092C>T, p.Pro698Ser (NM_001347827.2, NM_001347829.2); c.2167C>T, p.Pro723Ser (NM_001347828.2); c.2131C>T, p.Pro711Ser (NM_001347830.2); short protein forms P698S, P723S, P711S.
Identifiers: ClinVar variation 2846186 (VCV002846186.3), dbSNP rs2110316073, ClinGen allele CA356894030.

ClinVar aggregate classification (germline): Uncertain significance (1 of 4 stars; one submission).

Conditions:
Gastrointestinal stromal tumor. Also called: Gastrointestinal stromal tumor, somatic; Gastrointestinal stroma tumor. Identifiers: Orphanet 44890, MedGen C0238198, MeSH D046152, MONDO:0011719, OMIM 606764, HP:0100723.

Submission:

Labcorp Genetics (formerly Invitae), Labcorp
Classification: Uncertain significance for Gastrointestinal stromal tumor. Last evaluated: 2023-03-16. Review status: criteria provided, single submitter. Criteria: Invitae Variant Classification Sherloc (09022015). Collection method: clinical testing. Allele origin: germline.
Comment: This variant has not been reported in the literature in individuals affected with PDGFRA-related conditions. This variant is not present in population databases (gnomAD no frequency). This sequence change replaces proline, which is neutral and non-polar, with serine, which is neutral and polar, at codon 698 of the PDGFRA protein (p.Pro698Ser). An algorithm developed to predict the effect of missense changes on protein structure and function (PolyPhen-2) suggests that this variant is likely to be disruptive. In summary, the available evidence is currently insufficient to determine the role of this variant in disease. Therefore, it has been classified as a Variant of Uncertain Significance.